The following is an entry in ClinVar:

ClinVar aggregate classification (germline): Conflicting classifications of pathogenicity. Review status: criteria provided, conflicting classifications (1 of 4 stars). 3 submissions from 3 submitters: Uncertain significance (1); Likely benign (2). Last evaluated 2026-01-01.

Conditions:
PACS1-related disorder. Also called: PACS1-related condition.
Inborn genetic diseases. Identifiers: MedGen C0950123, MeSH D030342.

Allele frequency attached by ClinVar (database versions not stated): gnomAD exomes 0.00003; TOPMed 0.00005; gnomAD 0.00009.
gnomAD v4.1: 57 of 1,469,080 alleles (0.0039%); highest among the groups gnomAD compares: Non-Finnish European, 0.0049%; no homozygotes.

Submissions (3):

CeGaT Center for Human Genetics Tuebingen
Classification: Uncertain significance. Last evaluated: 2026-01-01. Review status: criteria provided, single submitter. Criteria: CeGaT Center For Human Genetics Tuebingen Variant Classification Criteria Version 2. Collection method: clinical testing. Allele origin: germline. Affected: yes. Observed: 1 variant allele.

PreventionGenetics, part of Exact Sciences
Classification: Likely benign for PACS1-related condition. Last evaluated: 2025-06-10. Review status: criteria provided, single submitter. Criteria: ACMG Guidelines, 2015. Collection method: clinical testing. Allele origin: germline.
Comment: This variant is classified as likely benign based on ACMG/AMP sequence variant interpretation guidelines (Richards et al. 2015 PMID: 25741868, with internal and published modifications).

Ambry Genetics
Classification: Likely benign for Inborn genetic diseases. Last evaluated: 2023-01-10. Review status: criteria provided, single submitter. Criteria: Ambry Variant Classification Scheme 2023. Collection method: clinical testing. Allele origin: germline.

NM_018026.4(PACS1):c.77C>T (p.Ala26Val)

Gene: PACS1 (phosphofurin acidic cluster sorting protein 1; plus strand). Cytogenetic location: 11q13.1.
Variant type: single nucleotide variant.
Coding change: c.77C>T on transcript NM_018026.4 (MANE Select); coding-DNA position 77, C replaced by T.
Protein change: p.Ala26Val; replaces alanine 26 with valine.
Molecular consequence: missense variant.
Genome position (GRCh38, 1-based): chr11:66,070,563, C>T. VCF-style: chr11-66070563-C-T. GRCh37 (hg19) VCF-style: chr11-65838034-C-T.
Other names: c.77C>T (NM_018026.3); short protein forms A26V.
Identifiers: ClinVar variation 2457220 (VCV002457220.7), dbSNP rs1343494175, ClinGen allele CA381507484.